The following is an entry in ClinVar:

ClinVar aggregate classification (germline): Uncertain significance (1 of 4 stars; one submission).

Conditions:
Neuroblastoma, susceptibility to, 3. Also called: ALK-Related Neuroblastic Tumor Susceptibility. Identifiers: Orphanet 635, MedGen C2751681, MONDO:0013083, OMIM 613014.

Submission:

Labcorp Genetics (formerly Invitae), Labcorp
Classification: Uncertain significance for Neuroblastoma, susceptibility to, 3. Last evaluated: 2022-08-31. Review status: criteria provided, single submitter. Criteria: Invitae Variant Classification Sherloc (09022015). Collection method: clinical testing. Allele origin: germline.
Comment: Algorithms developed to predict the effect of missense changes on protein structure and function (SIFT, PolyPhen-2, Align-GVGD) all suggest that this variant is likely to be disruptive. In summary, the available evidence is currently insufficient to determine the role of this variant in disease. Therefore, it has been classified as a Variant of Uncertain Significance. This variant has not been reported in the literature in individuals affected with ALK-related conditions. This sequence change replaces tyrosine, which is neutral and polar, with histidine, which is basic and polar, at codon 1586 of the ALK protein (p.Tyr1586His). This variant is not present in population databases (gnomAD no frequency).

NM_004304.5(ALK):c.4756T>C (p.Tyr1586His)

Gene: ALK (ALK receptor tyrosine kinase; minus strand). Cytogenetic location: 2p23.2.
Variant type: single nucleotide variant.
Coding change: c.4756T>C on transcript NM_004304.5 (MANE Select); coding-DNA position 4756, T replaced by C.
Protein change: p.Tyr1586His; replaces tyrosine 1586 with histidine.
Molecular consequence: missense variant.
Genome position (GRCh38, 1-based): chr2:29,193,331, A>G on the plus strand (T>C on the coding strand, the complement: ALK is on the minus strand). VCF-style: chr2-29193331-A-G. GRCh37 (hg19) VCF-style: chr2-29416197-A-G.
Other names: c.1552T>C, p.Tyr518His (NM_001353765.2); short protein forms Y518H, Y1586H.
Identifiers: ClinVar variation 1998754 (VCV001998754.4), dbSNP rs2148137224, ClinGen allele CA346460313.